The following is an entry in ClinVar:

NM_000535.7(PMS2):c.682G>A (p.Gly228Ser)

Gene: PMS2 (PMS1 homolog 2, mismatch repair system component; minus strand). Cytogenetic location: 7p22.1.
Variant type: single nucleotide variant.
Coding change: c.682G>A on transcript NM_000535.7 (MANE Select); coding-DNA position 682, G replaced by A.
Protein change: p.Gly228Ser; replaces glycine 228 with serine.
Molecular consequence: missense variant. On other transcripts: 5 prime UTR variant (2), non-coding transcript variant (1), intron variant (1).
Genome position (GRCh38, 1-based): chr7:5,999,131, C>T on the plus strand (G>A on the coding strand, the complement: PMS2 is on the minus strand). VCF-style: chr7-5999131-C-T. GRCh37 (hg19) VCF-style: chr7-6038762-C-T.
Other names: p.G228S:GGC>AGC; c.277G>A, p.Gly93Ser (NM_001322003.2, NM_001322004.2, NM_001322005.2 and 2 more transcripts); c.682G>A, p.Gly228Ser (NM_001322006.2, NM_001322014.2); c.364G>A, p.Gly122Ser (NM_001322007.2, NM_001322008.2); c.-252G>A (NM_001322011.2, NM_001322012.2); c.373G>A, p.Gly125Ser (NM_001322015.2); c.133-1708G>A (NM_001322013.2); short protein forms G228S, G122S, G125S, G93S.
Identifiers: ClinVar variation 127794 (VCV000127794.55), dbSNP rs376258383, ClinGen allele CA012509.

ClinVar aggregate classification (germline): Conflicting classifications of pathogenicity. Review status: criteria provided, conflicting classifications (1 of 4 stars). 16 submissions from 16 submitters: Uncertain significance (14); Benign (1). 1 of the submissions does not count toward it. Last evaluated 2026-09-28.

Conditions:
PMS2-related disorder. Also called: PMS2-related condition.
Hereditary nonpolyposis colorectal neoplasms. Identifiers: MedGen C0009405, MeSH D003123.
Inherited MMR deficiency (Lynch syndrome).
Breast and/or ovarian cancer. Identifiers: MedGen CN221562.
Hereditary cancer-predisposing syndrome. Also called: Neoplastic Syndromes, Hereditary; Hereditary Cancer Syndrome; Tumor predisposition; Hereditary neoplastic syndrome. Identifiers: Orphanet 140162, MedGen C0027672, MeSH D009386, MONDO:0015356.
Lynch syndrome. Identifiers: Orphanet 144, MedGen C4552100, MONDO:0005835. Disease mechanism: loss of function.
Lynch syndrome 4 (LYNCH4). Also called: Hereditary non-polyposis colorectal cancer, type 4; Colorectal cancer, hereditary nonpolyposis, type 4. Identifiers: Orphanet 144, MedGen C1838333, MONDO:0013699, OMIM 614337. Disease mechanism: loss of function.

Allele frequency attached by ClinVar (database versions not stated): ExAC 0.00003; gnomAD exomes 0.00004 and 0.00005; gnomAD 0.00005; TOPMed 0.00005; ESP Exome Variant Server 0.00015.

Submissions (16):

Cambridge Genomics Laboratory, East Genomic Laboratory Hub, NHS Genomic Medicine Service
Classification: Uncertain significance for Inherited MMR deficiency (Lynch syndrome). Last evaluated: 2026-09-28. Review status: criteria provided, single submitter. Criteria: ACGS Best Practice Guidelines for Variant Classification in Rare Disease 2020. Collection method: clinical testing. Allele origin: germline. Affected: yes.

PreventionGenetics, part of Exact Sciences
Classification: Uncertain significance for PMS2-related condition. Last evaluated: 2026-06-27. Review status: criteria provided, single submitter. Criteria: ACMG Guidelines, 2015. Collection method: clinical testing. Allele origin: germline.
Comment: The PMS2 c.682G>A variant is predicted to result in the amino acid substitution p.Gly228Ser. This variant has been reported in patients with clinical features consistent with Lynch syndrome (Okkels et al. 2019. PubMed ID: 31433215; Djursby et al. 2020. PubMed ID: 33193653). This variant is reported in 0.012% of alleles in individuals of African descent in gnomAD and has conflicting interpretations in ClinVar ranging from benign to uncertain (Variation ID: 127794). Although we suspect that this variant may be benign, at this time, the clinical significance of this variant is uncertain due to the absence of conclusive functional and genetic evidence.

Center for Genomic Medicine, Rigshospitalet, Copenhagen University Hospital
Classification: Uncertain significance. Last evaluated: 2025-12-29. Review status: criteria provided, single submitter. Criteria: ACMG Guidelines, 2015. Collection method: clinical testing. Allele origin: germline.

Labcorp Genetics (formerly Invitae), Labcorp
Classification: Benign for Hereditary nonpolyposis colorectal neoplasms. Last evaluated: 2025-12-24. Review status: criteria provided, single submitter. Criteria: Invitae Variant Classification Sherloc (09022015). Collection method: clinical testing. Allele origin: germline.

Women's Health and Genetics/Laboratory Corporation of America, LabCorp
Classification: Uncertain significance. Last evaluated: 2025-10-27. Review status: criteria provided, single submitter. Criteria: LabCorp Variant Classification Summary - May 2015. Collection method: clinical testing. Allele origin: germline.
Comment: Variant summary: PMS2 c.682G>A (p.Gly228Ser) results in a non-conservative amino acid change in the encoded protein sequence. Algorithms developed to predict the effect of missense changes on protein structure and function are either unavailable or do not agree on the potential impact of this missense change. The variant allele was found at a frequency of 3.6e-05 in 251488 control chromosomes. The available data on variant occurrences in the general population are insufficient to allow any conclusion about variant significance. c.682G>A has been reported as a VUS in individuals affected with colorectal cancer and pancreatic cancer without strong evidence for causality (e.g. Okkels_2019, Djursby_2020, Mikeel_2022, Tavano_2023). These reports do not provide unequivocal conclusions about association of the variant with Hereditary Nonpolyposis Colorectal Cancer. To our knowledge, no experimental evidence demonstrating an impact on protein function has been reported. The following publications have been ascertained in the context of this evaluation (PMID: 33193653, 34761457, 31433215, 36717774). ClinVar contains an entry for this variant (Variation ID: 127794). Based on the evidence outlined above, the variant was classified as uncertain significance.

GeneDx
Classification: Uncertain significance. Last evaluated: 2025-08-21. Review status: criteria provided, single submitter. Criteria: GeneDx Variant Classification Process June 2021. Collection method: clinical testing. Allele origin: germline. Affected: yes.
Comment: In silico analysis suggests that this missense variant does not alter protein structure/function; This variant is associated with the following publications: (PMID: 27882345, 32980694, 31391288, 33471991, 31433215, 11574484, 35534704, 36243179)

Ambry Genetics
Classification: Uncertain significance for Hereditary cancer-predisposing syndrome. Last evaluated: 2025-02-10. Review status: criteria provided, single submitter. Criteria: Ambry Variant Classification Scheme 2023. Collection method: clinical testing. Allele origin: germline.
Comment: The p.G228S variant (also known as c.682G>A), located in coding exon 6 of the PMS2 gene, results from a G to A substitution at nucleotide position 682. The glycine at codon 228 is replaced by serine, an amino acid with similar properties. This alteration was detected in a cohort of 149 individuals from either families with an accumulation of colorectal cancers or families with only one sporadic case of very early onset colorectal cancer (Djursby M et al. Front Genet, 2020 Sep;11:566266). This amino acid position is highly conserved in available vertebrate species. In addition, the in silico prediction for this alteration is inconclusive. Based on the available evidence, the clinical significance of this variant remains unclear.

Color Diagnostics, LLC DBA Color Health
Classification: Uncertain significance for Hereditary cancer-predisposing syndrome. Last evaluated: 2024-10-17. Review status: criteria provided, single submitter. Criteria: ACMG Guidelines, 2015. Collection method: clinical testing. Allele origin: germline.
Comment: This missense variant replaces glycine with serine at codon 228 of the PMS2 protein. Computational prediction suggests that this variant may not impact protein structure and function (internally defined REVEL score threshold <= 0.5, PMID: 27666373). To our knowledge, functional studies have not been reported for this variant. This variant has been reported in an individual affected with Lynch syndrome (PMID: 31433215). This variant has been identified in 9/251488 chromosomes in the general population by the Genome Aggregation Database (gnomAD). The available evidence is insufficient to determine the role of this variant in disease conclusively. Therefore, this variant is classified as a Variant of Uncertain Significance.

Department of Pathology and Laboratory Medicine, Sinai Health System
Classification: Uncertain significance for Lynch syndrome. Last evaluated: 2024-08-07. Review status: criteria provided, single submitter. Criteria: ACMG Guidelines, 2015. Collection method: clinical testing. Allele origin: germline. Affected: yes.

Baylor Genetics
Classification: Uncertain significance for Lynch syndrome 4. Last evaluated: 2024-03-13. Review status: criteria provided, single submitter. Criteria: ACMG Guidelines, 2015. Collection method: clinical testing. Allele origin: unknown.

Quest Diagnostics Nichols Institute San Juan Capistrano
Classification: Uncertain significance. Last evaluated: 2023-12-20. Review status: criteria provided, single submitter. Criteria: Quest Diagnostics criteria. Collection method: clinical testing. Allele origin: unknown.
Comment: The PMS2 c.682G>A (p.Gly228Ser) variant has been reported in individuals with Lynch syndrome (PMID: 31433215 (2019)), colorectal cancer (PMID: 33193653 (2020), 29212164 (2017)), and urothelial carcinoma (PMID: 27882345 (2016)). Additionally, the variant was found both in individuals with breast cancer as well as reportedly healthy individuals in a large breast cancer association study (PMID: 33471991 (2021), see also LOVD). The frequency of this variant in the general population, 0.000035 (4/113762 chromosomes (Genome Aggregation Database)), is uninformative in the assessment of its pathogenicity. Analysis of this variant using bioinformatics tools for the prediction of the effect of amino acid changes on protein structure and function yielded predictions that this variant is benign. Based on the available information, we are unable to determine the clinical significance of this variant.

Blueprint Genetics
Classification: Uncertain significance. Last evaluated: 2023-11-13. Review status: criteria provided, single submitter. Criteria: ACMG Guidelines, 2015. Collection method: clinical testing. Allele origin: germline.

Myriad Genetics, Inc.
Classification: Uncertain significance for Lynch syndrome 4. Last evaluated: 2023-04-04. Review status: criteria provided, single submitter. Criteria: Myriad Autosomal Dominant, Autosomal Recessive and X-Linked Classification Criteria (2023). Collection method: clinical testing. Allele origin: unknown.
Comment: This variant is classified as a variant of uncertain significance as there is insufficient evidence to determine its impact on protein function and/or cancer risk.

CHEO Genetics Diagnostic Laboratory, Children's Hospital of Eastern Ontario
Classification: Uncertain significance for Breast and/or ovarian cancer. Last evaluated: 2022-08-12. Review status: criteria provided, single submitter. Criteria: ACMG Guidelines, 2015. Collection method: clinical testing. Allele origin: germline.

Sema4
Classification: Uncertain significance for Hereditary cancer-predisposing syndrome. Last evaluated: 2021-12-09. Review status: criteria provided, single submitter. Criteria: Sema4 Curation Guidelines. Collection method: curation. Allele origin: germline.
Comment: The PMS2 c.682G>A (p.G228S) variant has been reported in heterozygosity in at least 1 individual with colon cancer (PMID: 31433215). It has been reported in a large case-control study of breast cancer in 5/60466 cases and 1/53461 controls (PMID: 33471991). It was observed in 2/16256 chromosomes of the African/African American (AFR) subpopulation in the large and broad cohorts of the Genome Aggregation Database (PMID: 32461654). This variant has been reported in ClinVar (Variation ID 127794). Functional studies have not been performed, and in silico predictions of the variant's effect on protein function are inconclusive. The evidence is insufficient to meet ACMG/AMP criteria for classifying the variant as benign or pathogenic. Thus, the clinical significance of this variant is currently uncertain.

Counsyl
Classification: Uncertain significance for Lynch syndrome 4. Last evaluated: 2018-04-20. Review status: no assertion criteria provided. Collection method: clinical testing. Allele origin: unknown. Not counted in ClinVar's aggregate classification.

Literature cited by the submitters: PubMed 31433215 (cited by 6 submitters); PubMed 33193653 (cited by 3 submitters); PubMed 34761457 (cited by Women's Health and Genetics/Laboratory Corporation of America, LabCorp); PubMed 36717774 (cited by Women's Health and Genetics/Laboratory Corporation of America, LabCorp); PubMed 33471991 (cited by 3 submitters); PubMed 29212164 (cited by Quest Diagnostics Nichols Institute San Juan Capistrano); PubMed 27882345 (cited by Quest Diagnostics Nichols Institute San Juan Capistrano); PubMed 31391288 (cited by Quest Diagnostics Nichols Institute San Juan Capistrano).